The following is an entry in ClinVar:

ClinVar aggregate classification (germline): Uncertain significance (1 of 4 stars; one submission).

Allele frequency attached by ClinVar (database versions not stated): gnomAD exomes below 0.00001; gnomAD 0.00001; TOPMed 0.00001.
gnomAD v4.1: 3 of 1,610,274 alleles (0.00019%); highest among the groups gnomAD compares: African/African-American, 0.004%; no homozygotes.

Submission:

Labcorp Genetics (formerly Invitae), Labcorp
Classification: Uncertain significance. Last evaluated: 2022-03-19. Review status: criteria provided, single submitter. Criteria: Invitae Variant Classification Sherloc (09022015). Collection method: clinical testing. Allele origin: germline.
Comment: In summary, the available evidence is currently insufficient to determine the role of this variant in disease. Therefore, it has been classified as a Variant of Uncertain Significance. Algorithms developed to predict the effect of missense changes on protein structure and function (SIFT, PolyPhen-2, Align-GVGD) all suggest that this variant is likely to be tolerated. This variant has not been reported in the literature in individuals affected with CFB-related conditions. This variant is not present in population databases (gnomAD no frequency). This sequence change replaces arginine, which is basic and polar, with glycine, which is neutral and non-polar, at codon 94 of the CFB protein (p.Arg94Gly).

NM_001710.6(CFB):c.280A>G (p.Arg94Gly)

Gene: CFB (complement factor B; plus strand). Cytogenetic location: 6p21.33.
Variant type: single nucleotide variant.
Coding change: c.280A>G on transcript NM_001710.6 (MANE Select); coding-DNA position 280, A replaced by G.
Protein change: p.Arg94Gly; replaces arginine 94 with glycine.
Molecular consequence: missense variant.
Genome position (GRCh38, 1-based): chr6:31,946,588, A>G. VCF-style: chr6-31946588-A-G. GRCh37 (hg19) VCF-style: chr6-31914365-A-G.
Other names: short protein forms R94G.
Identifiers: ClinVar variation 1947311 (VCV001947311.5), dbSNP rs1771437858, ClinGen allele CA363389781.